The following is an entry in ClinVar:

ClinVar aggregate classification (germline): Uncertain significance (1 of 4 stars; one submission).

Conditions:
Spastic paraplegia. Identifiers: MedGen C0037772, HP:0001258.

Allele frequency attached by ClinVar (database versions not stated): gnomAD exomes 0.00001.

Submission:

Labcorp Genetics (formerly Invitae), Labcorp
Classification: Uncertain significance for Spastic paraplegia. Last evaluated: 2025-03-03. Review status: criteria provided, single submitter. Criteria: Invitae Variant Classification Sherloc (09022015). Collection method: clinical testing. Allele origin: germline.
Comment: This variant, c.1061_1063del, results in the deletion of 2 and insertion of 1 amino acid(s) of the B4GALNT1 protein (p.Trp354_Val355delinsLeu), but otherwise preserves the integrity of the reading frame. This variant is present in population databases (no rsID available, gnomAD 0.009%). This variant has not been reported in the literature in individuals affected with B4GALNT1-related conditions. ClinVar contains an entry for this variant (Variation ID: 2082355). Experimental studies and prediction algorithms are not available or were not evaluated, and the functional significance of this variant is currently unknown. In summary, the available evidence is currently insufficient to determine the role of this variant in disease. Therefore, it has been classified as a Variant of Uncertain Significance.

NM_001478.5(B4GALNT1):c.1061_1063del (p.Trp354_Val355delinsLeu)

Gene: B4GALNT1 (beta-1,4-N-acetyl-galactosaminyltransferase 1; minus strand). Cytogenetic location: 12q13.3.
Variant type: Deletion.
Coding change: c.1061_1063del on transcript NM_001478.5 (MANE Select); coding-DNA positions 1061 to 1063, 3 bases deleted (GGG; older notation c.1061_1063delGGG).
Protein change: p.Trp354_Val355delinsLeu.
Molecular consequence: inframe indel.
Genome position (GRCh38, 1-based): chr12:57,628,202-57,628,204, CCC deleted on the plus strand (GGG on the coding strand, the reverse complement: B4GALNT1 is on the minus strand). VCF-style (leftmost placement, unchanged base first): chr12-57628201-ACCC-A. GRCh37 (hg19) VCF-style: chr12-58021984-ACCC-A.
Other names: c.896_898del, p.Trp299_Val300delinsLeu (NM_001276468.2); c.1196_1198delGGG, p.Trp399_Val400delinsLeu (NM_001413967.1, NM_001413968.1, NM_001413969.1); c.1061_1063delGGG, p.Trp354_Val355delinsLeu (NM_001413970.1, NM_001413971.1, NM_001413972.1 and 2 more transcripts); c.962_964delGGG, p.Trp321_Val322delinsLeu (NM_001413977.1); c.896_898delGGG, p.Trp299_Val300delinsLeu (NM_001413978.1); c.209_211delGGG, p.Trp70_Val71delinsLeu (NM_001413981.1); c.74_76delGGG, p.Trp25_Val26delinsLeu (NM_001413982.1, NM_001413983.1, NM_001413984.1).
Identifiers: ClinVar variation 2082355 (VCV002082355.4), dbSNP rs1193421419, ClinGen allele CA605315085.
Genomic context (GRCh38, chr12:57,628,201, plus strand): 5'-TCCAGCACGTCCACAAGCCTCTCCAGCCGCGTCCGCGCCGTGAAGACGAAGTCGTCGTCC[ACCC>A]ACAGCACGTACTTGGTGGTTACTTGAGACACGGCCAGGTTCCGGCCTGCGAACCAGCCCT-3'